The following is an entry in ClinVar:

NM_000156.6(GAMT):c.293G>A (p.Arg98Gln)

Gene: GAMT (guanidinoacetate N-methyltransferase; minus strand). Cytogenetic location: 19p13.3.
Variant type: single nucleotide variant.
Coding change: c.293G>A on transcript NM_000156.6 (MANE Select); coding-DNA position 293, G replaced by A.
Protein change: p.Arg98Gln; replaces arginine 98 with glutamine.
Molecular consequence: missense variant.
Genome position (GRCh38, 1-based): chr19:1,399,827, C>T on the plus strand (G>A on the coding strand, the complement: GAMT is on the minus strand). VCF-style: chr19-1399827-C-T. GRCh37 (hg19) VCF-style: chr19-1399826-C-T.
Other names: c.293G>A, p.Arg98Gln (NM_138924.3); short protein forms R98Q.
Identifiers: ClinVar variation 450527 (VCV000450527.10), dbSNP rs200052696, ClinGen allele CA9043746.

ClinVar aggregate classification (germline): Uncertain significance. Review status: criteria provided, multiple submitters, no conflicts (2 of 4 stars). 4 submissions from 4 submitters: Uncertain significance (3). 1 of the submissions does not count toward it. Last evaluated 2025-10-08.

Conditions:
Cerebral creatine deficiency syndrome. Also called: Creatine deficiency syndromes. Identifiers: Orphanet 79172, MedGen C5244016, MONDO:0000456.
Deficiency of guanidinoacetate methyltransferase (CCDS2). Also called: GAMT DEFICIENCY; Guanidinoacetate Methyltransferase (GAMT) Deficiency; CEREBRAL CREATINE DEFICIENCY SYNDROME 2. Identifiers: Orphanet 382, MedGen C0574080, MONDO:0012999, OMIM 612736.

Allele frequency attached by ClinVar (database versions not stated): gnomAD 0.00001; TOPMed 0.00001; ExAC below 0.00001; gnomAD exomes 0.00001.

Submissions (4):

Labcorp Genetics (formerly Invitae), Labcorp
Classification: Uncertain significance for Cerebral creatine deficiency syndrome. Last evaluated: 2025-10-08. Review status: criteria provided, single submitter. Criteria: Invitae Variant Classification Sherloc (09022015). Collection method: clinical testing. Allele origin: germline.
Comment: This sequence change replaces arginine, which is basic and polar, with glutamine, which is neutral and polar, at codon 98 of the GAMT protein (p.Arg98Gln). The frequency data for this variant in the population databases is considered unreliable, as metrics indicate poor data quality at this position in the gnomAD database. This variant has not been reported in the literature in individuals affected with GAMT-related conditions. ClinVar contains an entry for this variant (Variation ID: 450527). Invitae Evidence Modeling of protein sequence and biophysical properties (such as structural, functional, and spatial information, amino acid conservation, physicochemical variation, residue mobility, and thermodynamic stability) has been performed for this missense variant. However, the output from this modeling did not meet the statistical confidence thresholds required to predict the impact of this variant on GAMT protein function. In summary, the available evidence is currently insufficient to determine the role of this variant in disease. Therefore, it has been classified as a Variant of Uncertain Significance.

Fulgent Genetics
Classification: Uncertain significance for Deficiency of guanidinoacetate methyltransferase. Last evaluated: 2021-12-08. Review status: criteria provided, single submitter. Criteria: ACMG Guidelines, 2015. Collection method: clinical testing. Allele origin: unknown.

GeneDx
Classification: Uncertain significance. Last evaluated: 2018-02-06. Review status: criteria provided, single submitter. Criteria: GeneDx Variant Classification (06012015). Collection method: clinical testing. Allele origin: germline. Affected: yes.
Comment: A variant of uncertain significance has been identified in the GAMT gene. The R98Q variant has not been published as a pathogenic variant, nor has it been reported as a benign variant to our knowledge. The R98Q variant is not observed in large population cohorts (Lek et al., 2016; 1000 Genomes Consortium et al., 2015; Exome Variant Server). The R98Q variant is a semi-conservative amino acid substitution, which may impact secondary protein structure as these residues differ in some properties. This substitution occurs at a position that is conserved across species. In silico analysis is inconsistent in its predictions as to whether or not the variant is damaging to the protein structure/function. Therefore, based on the currently available information, it is unclear whether this variant is a pathogenic variant or a rare benign variant.

Natera, Inc.
Classification: Uncertain significance for Guanidinoacetate methyltransferase deficiency. Last evaluated: 2019-10-28. Review status: no assertion criteria provided. Collection method: clinical testing. Allele origin: germline. Not counted in ClinVar's aggregate classification.